The following is an entry in ClinVar:

ClinVar aggregate classification (germline): Uncertain significance. Review status: criteria provided, multiple submitters, no conflicts (2 of 4 stars). 2 submissions from 2 submitters: Uncertain significance (2). Last evaluated 2024-04-01.

Allele frequency attached by ClinVar (database versions not stated): gnomAD 0.00001; gnomAD exomes 0.00001 and 0.00002; TOPMed 0.00001; ExAC 0.00002.
gnomAD v4.1: 37 of 1,613,796 alleles (0.0023%); highest among the groups gnomAD compares: Non-Finnish European, 0.003%; no homozygotes.

Submissions (2):

CeGaT Center for Human Genetics Tuebingen
Classification: Uncertain significance. Last evaluated: 2024-04-01. Review status: criteria provided, single submitter. Criteria: CeGaT Center For Human Genetics Tuebingen Variant Classification Criteria Version 2. Collection method: clinical testing. Allele origin: germline. Affected: yes. Observed: 1 variant allele.
Comment: ADGRV1: PM2, BP4

Labcorp Genetics (formerly Invitae), Labcorp
Classification: Uncertain significance. Last evaluated: 2022-09-27. Review status: criteria provided, single submitter. Criteria: Invitae Variant Classification Sherloc (09022015). Collection method: clinical testing. Allele origin: germline.
Comment: This sequence change replaces valine, which is neutral and non-polar, with aspartic acid, which is acidic and polar, at codon 1065 of the ADGRV1 protein (p.Val1065Asp). This variant is present in population databases (rs754644818, gnomAD 0.002%). This variant has not been reported in the literature in individuals affected with ADGRV1-related conditions. ClinVar contains an entry for this variant (Variation ID: 1039053). Advanced modeling of protein sequence and biophysical properties (such as structural, functional, and spatial information, amino acid conservation, physicochemical variation, residue mobility, and thermodynamic stability) performed at Invitae indicates that this missense variant is not expected to disrupt ADGRV1 protein function. In summary, the available evidence is currently insufficient to determine the role of this variant in disease. Therefore, it has been classified as a Variant of Uncertain Significance.

NM_032119.4(ADGRV1):c.3194T>A (p.Val1065Asp)

Gene: ADGRV1 (adhesion G protein-coupled receptor V1; plus strand). Cytogenetic location: 5q14.3.
Variant type: single nucleotide variant.
Coding change: c.3194T>A on transcript NM_032119.4 (MANE Select); coding-DNA position 3194, T replaced by A.
Protein change: p.Val1065Asp; replaces valine 1065 with aspartic acid.
Molecular consequence: missense variant. On other transcripts: non-coding transcript variant (1).
Genome position (GRCh38, 1-based): chr5:90,647,669, T>A. VCF-style: chr5-90647669-T-A. GRCh37 (hg19) VCF-style: chr5-89943486-T-A.
Other names: short protein forms V1065D.
Identifiers: ClinVar variation 1039053 (VCV001039053.25), dbSNP rs754644818, ClinGen allele CA3339120.